The following is an entry in ClinVar:

ClinVar aggregate classification (germline): Uncertain significance. Review status: criteria provided, multiple submitters, no conflicts (2 of 4 stars). 3 submissions from 3 submitters: Uncertain significance (3). Last evaluated 2025-11-17.

Conditions:
Inborn genetic diseases. Identifiers: MedGen C0950123, MeSH D030342.

Allele frequency attached by ClinVar (database versions not stated): gnomAD 0.00002.
gnomAD v4.1: 13 of 1,610,260 alleles (0.00081%); highest among the groups gnomAD compares: African/African-American, 0.004%; no homozygotes.

Submissions (3):

Dasa
Classification: Uncertain significance. Last evaluated: 2025-11-17. Review status: criteria provided, single submitter. Criteria: DASA Assertion Criteria. Collection method: clinical testing. Allele origin: germline.
Comment: NM_170606.3(KMT2C):c.2656C>T (p.Arg886Cys) is a missense variant that results in the substitution of arginine with cysteine. This variant is rare in population databases. Computational prediction algorithms are consistent with a deleterious effect. The currently available literature and clinical evidence are not sufficient to establish a definitive association between this variant and the reported condition. Therefore, this variant is classified as a variant of uncertain significance.

Labcorp Genetics (formerly Invitae), Labcorp
Classification: Uncertain significance. Last evaluated: 2021-06-17. Review status: criteria provided, single submitter. Criteria: Invitae Variant Classification Sherloc (09022015). Collection method: clinical testing. Allele origin: germline.
Comment: In summary, the available evidence is currently insufficient to determine the role of this variant in disease. Therefore, it has been classified as a Variant of Uncertain Significance. Algorithms developed to predict the effect of missense changes on protein structure and function are either unavailable or do not agree on the potential impact of this missense change (SIFT: "Deleterious"; PolyPhen-2: "Probably Damaging"; Align-GVGD: "Class C0"). This variant has not been reported in the literature in individuals with KMT2C-related conditions. This variant is not present in population databases (ExAC no frequency). This sequence change replaces arginine with cysteine at codon 886 of the KMT2C protein (p.Arg886Cys). The arginine residue is highly conserved and there is a large physicochemical difference between arginine and cysteine.

Ambry Genetics
Classification: Uncertain significance for Inborn genetic diseases. Last evaluated: 2021-06-11. Review status: criteria provided, single submitter. Criteria: Ambry Variant Classification Scheme 2023. Collection method: clinical testing. Allele origin: germline.

NM_170606.3(KMT2C):c.2656C>T (p.Arg886Cys)

Gene: KMT2C (lysine methyltransferase 2C; minus strand). Cytogenetic location: 7q36.1.
Variant type: single nucleotide variant.
Coding change: c.2656C>T on transcript NM_170606.3 (MANE Select); coding-DNA position 2656, C replaced by T.
Protein change: p.Arg886Cys; replaces arginine 886 with cysteine.
Molecular consequence: missense variant.
Genome position (GRCh38, 1-based): chr7:152,235,930, G>A on the plus strand (C>T on the coding strand, the complement: KMT2C is on the minus strand). VCF-style: chr7-152235930-G-A. GRCh37 (hg19) VCF-style: chr7-151933015-G-A.
Other names: short protein forms R886C.
Identifiers: ClinVar variation 1955472 (VCV001955472.9), dbSNP rs199796679, ClinGen allele CA169244129.